The following is an entry in ClinVar:

NM_020822.3(KCNT1):c.3188C>T (p.Ser1063Leu)

Gene: KCNT1 (potassium sodium-activated channel subfamily T member 1; plus strand). Cytogenetic location: 9q34.3.
Variant type: single nucleotide variant.
Coding change: c.3188C>T on transcript NM_020822.3 (MANE Select); coding-DNA position 3188, C replaced by T.
Protein change: p.Ser1063Leu; replaces serine 1063 with leucine.
Molecular consequence: missense variant.
Genome position (GRCh38, 1-based): chr9:135,786,207, C>T. VCF-style: chr9-135786207-C-T. GRCh37 (hg19) VCF-style: chr9-138678053-C-T.
Other names: c.3053C>T, p.Ser1018Leu (NM_001272003.2); short protein forms S1018L, S1063L.
Identifiers: ClinVar variation 998861 (VCV000998861.11), dbSNP rs1161728281, ClinGen allele CA375491454.

ClinVar aggregate classification (germline): Uncertain significance. Review status: criteria provided, multiple submitters, no conflicts (2 of 4 stars). 2 submissions from 2 submitters: Uncertain significance (2). Last evaluated 2022-08-12.

Conditions:
Autosomal dominant nocturnal frontal lobe epilepsy 5. Also called: KCNT1-Related Epilepsy; CILIARY DYSKINESIA, PRIMARY, 28, WITHOUT SITUS INVERSUS; CILIARY DYSKINESIA, PRIMARY, 28, WITH SITUS INVERSUS; Epilepsy, nocturnal frontal lobe, 5. Identifiers: Orphanet 98784, MedGen C3554306, MONDO:0014002, OMIM 615005.
Developmental and epileptic encephalopathy, 14 (DEE14). Also called: Early infantile epileptic encephalopathy 14. Identifiers: Orphanet 293181, MedGen C3554195, MONDO:0013989, OMIM 614959.

Allele frequency attached by ClinVar (database versions not stated): TOPMed below 0.00001.
gnomAD v4.1: 14 of 1,607,606 alleles (0.00087%); highest among the groups gnomAD compares: Middle Eastern, 0.017%; no homozygotes.

Submissions (2):

Labcorp Genetics (formerly Invitae), Labcorp
Classification: Uncertain significance for Autosomal dominant nocturnal frontal lobe epilepsy 5; Developmental and epileptic encephalopathy, 14. Last evaluated: 2022-08-12. Review status: criteria provided, single submitter. Criteria: Invitae Variant Classification Sherloc (09022015). Collection method: clinical testing. Allele origin: germline.
Comment: This sequence change replaces serine, which is neutral and polar, with leucine, which is neutral and non-polar, at codon 1063 of the KCNT1 protein (p.Ser1063Leu). This variant is not present in population databases (gnomAD no frequency). This variant has not been reported in the literature in individuals affected with KCNT1-related conditions. ClinVar contains an entry for this variant (Variation ID: 998861). Algorithms developed to predict the effect of missense changes on protein structure and function output the following: SIFT: "Deleterious"; PolyPhen-2: "Benign"; Align-GVGD: "Class C0". The leucine amino acid residue is found in multiple mammalian species, which suggests that this missense change does not adversely affect protein function. In summary, the available evidence is currently insufficient to determine the role of this variant in disease. Therefore, it has been classified as a Variant of Uncertain Significance.

Revvity Omics, Revvity
Classification: Uncertain significance. Last evaluated: 2021-11-09. Review status: criteria provided, single submitter. Criteria: ACMG Guidelines, 2015. Collection method: clinical testing. Allele origin: germline.